The following is an entry in ClinVar:

ClinVar aggregate classification (germline): Uncertain significance (1 of 4 stars; one submission).

Allele frequency attached by ClinVar (database versions not stated): gnomAD exomes below 0.00001.
gnomAD v4.1: 4 of 1,613,554 alleles (0.00025%); highest among the groups gnomAD compares: African/African-American, 0.0013%; no homozygotes.

Submission:

Labcorp Genetics (formerly Invitae), Labcorp
Classification: Uncertain significance. Last evaluated: 2023-10-03. Review status: criteria provided, single submitter. Criteria: Invitae Variant Classification Sherloc (09022015). Collection method: clinical testing. Allele origin: germline.
Comment: This sequence change replaces glutamic acid, which is acidic and polar, with glutamine, which is neutral and polar, at codon 142 of the PIGP protein (p.Glu142Gln). This variant is present in population databases (rs112163592, gnomAD 0.007%). This variant has not been reported in the literature in individuals affected with PIGP-related conditions. ClinVar contains an entry for this variant (Variation ID: 1348297). An algorithm developed to predict the effect of missense changes on protein structure and function (PolyPhen-2) suggests that this variant is likely to be disruptive. In summary, the available evidence is currently insufficient to determine the role of this variant in disease. Therefore, it has been classified as a Variant of Uncertain Significance.

NM_153682.3(PIGP):c.352G>C (p.Glu118Gln)

Gene: PIGP (phosphatidylinositol glycan anchor biosynthesis class P; minus strand). Cytogenetic location: 21q22.13.
Variant type: single nucleotide variant.
Coding change: c.352G>C on transcript NM_153682.3 (MANE Select); coding-DNA position 352, G replaced by C.
Protein change: p.Glu118Gln; replaces glutamic acid 118 with glutamine.
Molecular consequence: missense variant.
Genome position (GRCh38, 1-based): chr21:37,065,635, C>G on the plus strand (G>C on the coding strand, the complement: PIGP is on the minus strand). VCF-style: chr21-37065635-C-G. GRCh37 (hg19) VCF-style: chr21-38437935-C-G.
Other names: c.352G>C, p.Glu118Gln (NM_001320480.2); c.274G>C, p.Glu92Gln (NM_016430.4); c.424G>C, p.Glu142Gln (NM_153681.2); short protein forms E92Q, E118Q, E142Q.
Identifiers: ClinVar variation 1348297 (VCV001348297.6), dbSNP rs112163592, ClinGen allele CA320402116.
Genomic context (GRCh38, chr21:37,065,635, plus strand): 5'-ACACAGTTCAGTTTTTGGTGTAAAGTTCTTTGGCTGCAAGAAAGAACATTTGGTTTACTT[C>G]ACTAATAGAAATATCTCTTAAGGCTGGAATGGCCTCCTCTTGGTATTTCTTCTGCTGTTG-3'
Protein context (NP_710149.1, residues 108-128): IPALRDISIS[Glu118Gln]VNQMFFLAAK